The following is an entry in ClinVar:

ClinVar aggregate classification (germline): Pathogenic (1 of 4 stars; one submission).

Conditions:
3-methylcrotonyl-CoA carboxylase 1 deficiency (MCC1D). Also called: MCCD TYPE 1; METHYLCROTONYLGLYCINURIA TYPE I; MCC 1 deficiency; 3 Alpha methylcrotonylglycinuria 1. Identifiers: Orphanet 6, MedGen CN028786, MONDO:0008861, OMIM 210200.

Submission:

Labcorp Genetics (formerly Invitae), Labcorp
Classification: Pathogenic for 3-methylcrotonyl-CoA carboxylase 1 deficiency. Last evaluated: 2025-05-23. Review status: criteria provided, single submitter. Criteria: Invitae Variant Classification Sherloc (09022015). Collection method: clinical testing. Allele origin: germline.
Comment: This sequence change creates a premature translational stop signal (p.Lys301Serfs*13) in the MCCC1 gene. It is expected to result in an absent or disrupted protein product. Loss-of-function variants in MCCC1 are known to be pathogenic (PMID: 11181649, 15359379, 22642865). This variant is not present in population databases (gnomAD no frequency). This variant has not been reported in the literature in individuals affected with MCCC1-related conditions. For these reasons, this variant has been classified as Pathogenic.

Literature cited by the submitters: PubMed 11181649; PubMed 15359379; PubMed 22642865.

NM_020166.5(MCCC1):c.902del (p.Lys301fs)

Gene: MCCC1 (methylcrotonyl-CoA carboxylase subunit 1; minus strand). Cytogenetic location: 3q27.1.
Variant type: Deletion.
Coding change: c.902del on transcript NM_020166.5 (MANE Select); coding-DNA position 902, one base deleted (A; older notation c.902delA).
Protein change: p.Lys301fs; shifts the reading frame from lysine 301.
Molecular consequence: frameshift variant. On other transcripts: non-coding transcript variant (2).
Genome position (GRCh38, 1-based): chr3:183,052,212, T deleted on the plus strand (A on the coding strand, the reverse complement: MCCC1 is on the minus strand); the first of 6 consecutive T bases (chr3:183,052,212-183,052,217); deleting any one gives the same sequence. VCF-style (leftmost placement, unchanged base first): chr3-183052211-CT-C. GRCh37 (hg19) VCF-style: chr3-182769999-CT-C.
Other names: c.551del, p.Lys184fs (NM_001293273.2); c.575del, p.Lys192fs (NM_001363880.1); short protein forms K184fs, K192fs, K301fs.
Identifiers: ClinVar variation 4797965 (VCV004797965.1).